The following is an entry in ClinVar:

NM_018297.4(NGLY1):c.425C>T (p.Pro142Leu)

Gene: NGLY1 (N-glycanase 1; minus strand). Cytogenetic location: 3p24.2.
Variant type: single nucleotide variant.
Coding change: c.425C>T on transcript NM_018297.4 (MANE Select); coding-DNA position 425, C replaced by T.
Protein change: p.Pro142Leu; replaces proline 142 with leucine.
Molecular consequence: missense variant.
Genome position (GRCh38, 1-based): chr3:25,764,133, G>A on the plus strand (C>T on the coding strand, the complement: NGLY1 is on the minus strand). VCF-style: chr3-25764133-G-A. GRCh37 (hg19) VCF-style: chr3-25805624-G-A.
Other names: c.425C>T, p.Pro142Leu (NM_001145293.2, NM_001145295.2); c.299C>T, p.Pro100Leu (NM_001145294.2); short protein forms P100L, P142L.
Identifiers: ClinVar variation 1714903 (VCV001714903.3), dbSNP rs370585628, ClinGen allele CA2289493.
Genomic context (GRCh38, chr3:25,764,133, plus strand): 5'-GCAGATGGTGGATCTGATGACTGCCCTTGACGGTTCCTTGTGTGCTGGTTTAACCCACTG[G>A]GATTTGAAGATGGTGTTGTAGGAAGCTGGGTACTGGCTGCAGGTTGCTGAGATGACTTTA-3'
Protein context (NP_060767.2, residues 132-152): TQLPTTPSSN[Pro142Leu]SGLNQHTRNR

ClinVar aggregate classification (germline): Uncertain significance (1 of 4 stars; one submission).

Conditions:
Congenital disorder of deglycosylation (CDDG). Identifiers: MedGen C3808991, MONDO:0031376.

Allele frequency attached by ClinVar (database versions not stated): TOPMed below 0.00001; ExAC 0.00001; ESP Exome Variant Server 0.00008.
gnomAD v4.1: 2 of 1,614,040 alleles (0.00012%); highest among the groups gnomAD compares: Non-Finnish European, 0.00017%; no homozygotes.

Submission:

Labcorp Genetics (formerly Invitae), Labcorp
Classification: Uncertain significance for Congenital disorder of deglycosylation. Last evaluated: 2022-08-03. Review status: criteria provided, single submitter. Criteria: Invitae Variant Classification Sherloc (09022015). Collection method: clinical testing. Allele origin: germline.
Comment: This sequence change replaces proline, which is neutral and non-polar, with leucine, which is neutral and non-polar, at codon 142 of the NGLY1 protein (p.Pro142Leu). This variant is present in population databases (rs370585628, gnomAD 0.0009%). This variant has not been reported in the literature in individuals affected with NGLY1-related conditions. Algorithms developed to predict the effect of missense changes on protein structure and function output the following: SIFT: "Deleterious"; PolyPhen-2: "Benign"; Align-GVGD: "Class C0". The leucine amino acid residue is found in multiple mammalian species, which suggests that this missense change does not adversely affect protein function. In summary, the available evidence is currently insufficient to determine the role of this variant in disease. Therefore, it has been classified as a Variant of Uncertain Significance.